The following is an entry in ClinVar:

ClinVar aggregate classification (germline): Uncertain significance (1 of 4 stars; one submission).

Conditions:
Cardiovascular phenotype. Identifiers: MedGen CN230736.

Submission:

Ambry Genetics
Classification: Uncertain significance for Cardiovascular phenotype. Last evaluated: 2023-02-27. Review status: criteria provided, single submitter. Criteria: Ambry Variant Classification Scheme 2023. Collection method: clinical testing. Allele origin: germline.
Comment: The p.G52D variant (also known as c.155G>A), located in coding exon 1 of the ZNF469 gene, results from a G to A substitution at nucleotide position 155. The glycine at codon 52 is replaced by aspartic acid, an amino acid with similar properties. This amino acid position is conserved. In addition, this alteration is predicted to be tolerated by in silico analysis. Since supporting evidence is limited at this time, the clinical significance of this alteration remains unclear.

NM_001367624.2(ZNF469):c.155G>A (p.Gly52Asp)

Gene: ZNF469 (zinc finger protein 469; plus strand). Cytogenetic location: 16q24.2.
Variant type: single nucleotide variant.
Coding change: c.155G>A on transcript NM_001367624.2 (MANE Select); coding-DNA position 155, G replaced by A.
Protein change: p.Gly52Asp; replaces glycine 52 with aspartic acid.
Molecular consequence: missense variant.
Genome position (GRCh38, 1-based): chr16:88,427,625, G>A. VCF-style: chr16-88427625-G-A. GRCh37 (hg19) VCF-style: chr16-88494033-G-A.
Other names: NM_001127464.1:c.155G>A; short protein forms G52D.
Identifiers: ClinVar variation 2449522 (VCV002449522.2), dbSNP rs2507570317, ClinGen allele CA397058371.